The following is an entry in ClinVar:

ClinVar aggregate classification (germline): Conflicting classifications of pathogenicity. Review status: criteria provided, conflicting classifications (1 of 4 stars). 6 submissions from 6 submitters: Uncertain significance (1); Benign (1); Likely benign (4). Last evaluated 2026-01-16.

Conditions:
Tuberous sclerosis 2 (TSC2). Identifiers: Orphanet 805, MedGen C1860707, MONDO:0013199, OMIM 613254.
Isolated focal cortical dysplasia type II (FCORD2). Also called: Focal cortical dysplasia type II; CORTICAL DYSPLASIA OF TAYLOR. Identifiers: Orphanet 268994, MedGen C1846385, MONDO:0011818, OMIM 607341, HP:0032051.
Lymphangiomyomatosis (LAM). Also called: Lymphangioleiomyomatosis; Lymphangioleiomyomatosis, somatic. Identifiers: Orphanet 538, MedGen C0751674, MONDO:0011705, OMIM 606690.
Tuberous sclerosis syndrome (TSC). Also called: Tuberous Sclerosis Complex; Tuberous sclerosis. Identifiers: Orphanet 805, MedGen C0041341, MONDO:0001734.
Hereditary cancer-predisposing syndrome. Also called: Neoplastic Syndromes, Hereditary; Tumor predisposition; Hereditary Cancer Syndrome; Hereditary neoplastic syndrome. Identifiers: Orphanet 140162, MedGen C0027672, MeSH D009386, MONDO:0015356.

Allele frequency attached by ClinVar (database versions not stated): ExAC 0.00002; gnomAD exomes 0.00002; TOPMed 0.00002; gnomAD 0.00003 and 0.00004; ESP Exome Variant Server 0.00008.
gnomAD v4.1: 25 of 1,613,690 alleles (0.0015%); highest among the groups gnomAD compares: African/African-American, 0.0053%; no homozygotes.

Submissions (6):

Labcorp Genetics (formerly Invitae), Labcorp
Classification: Likely benign for Tuberous sclerosis 2. Last evaluated: 2026-01-16. Review status: criteria provided, single submitter. Criteria: Invitae Variant Classification Sherloc (09022015). Collection method: clinical testing. Allele origin: germline.

GeneDx
Classification: Uncertain significance. Last evaluated: 2025-06-13. Review status: criteria provided, single submitter. Criteria: GeneDx Variant Classification Process June 2021. Collection method: clinical testing. Allele origin: germline. Affected: yes.
Comment: Has not been previously published as pathogenic or benign to our knowledge; In silico analysis is inconclusive as to whether the variant alters gene splicing. In the absence of RNA/functional studies, the actual effect of this sequence change is unknown.

Myriad Genetics, Inc.
Classification: Benign for Tuberous sclerosis 2. Last evaluated: 2025-05-08. Review status: criteria provided, single submitter. Criteria: Myriad Autosomal Dominant, Autosomal Recessive and X-Linked Classification Criteria (2023). Collection method: clinical testing. Allele origin: unknown.
Comment: This variant is considered benign. This variant is a silent/synonymous amino acid change and it is not expected to impact splicing.

All of Us Research Program, National Institutes of Health
Classification: Likely benign for Tuberous sclerosis syndrome. Last evaluated: 2023-12-13. Review status: criteria provided, single submitter. Criteria: ACMG Guidelines, 2015. Collection method: clinical testing. Allele origin: germline. Inheritance: Autosomal dominant inheritance. Observed: 2 variant alleles, 2 heterozygotes.
Comment: This study involves interpretation of variants in research participants for the purpose of population health screening. Participant phenotype was not available at the time of variant classification. Additional details can be found in publication PMID: 35346344, PMCID: PMC8962531

Fulgent Genetics
Classification: Likely benign for Lymphangiomyomatosis; Isolated focal cortical dysplasia type II; Tuberous sclerosis 2. Last evaluated: 2021-10-04. Review status: criteria provided, single submitter. Criteria: ACMG Guidelines, 2015. Collection method: clinical testing. Allele origin: unknown.

Ambry Genetics
Classification: Likely benign for Hereditary cancer-predisposing syndrome. Last evaluated: 2020-02-27. Review status: criteria provided, single submitter. Criteria: Ambry Variant Classification Scheme 2023. Collection method: clinical testing. Allele origin: germline.

NM_000548.5(TSC2):c.585C>T (p.Ile195=)

Gene: TSC2 (TSC complex subunit 2; plus strand). Cytogenetic location: 16p13.3.
Variant type: single nucleotide variant.
Coding change: c.585C>T on transcript NM_000548.5 (MANE Select); coding-DNA position 585, C replaced by T.
Protein change: p.Ile195=; no amino-acid change (isoleucine 195 retained).
Molecular consequence: synonymous variant. On other transcripts: intron variant (1).
Genome position (GRCh38, 1-based): chr16:2,055,505, C>T. VCF-style: chr16-2055505-C-T. GRCh37 (hg19) VCF-style: chr16-2105506-C-T.
Other names: c.585C>T, p.Ile195= (NM_001077183.3, NM_001114382.3, NM_001363528.2 and 3 more transcripts); c.474C>T, p.Ile158= (NM_001318827.2); c.438C>T, p.Ile146= (NM_001318829.2); c.618C>T, p.Ile206= (NM_001318832.2); c.-1-691C>T (NM_001318831.2).
Identifiers: ClinVar variation 536097 (VCV000536097.18), dbSNP rs397515309, ClinGen allele CA055446.